The following is an entry in ClinVar:

NM_001267550.2(TTN):c.47531C>A (p.Pro15844Gln)

Genes: TTN (titin; minus strand), TTN-AS1 (TTN antisense RNA 1; plus strand). Cytogenetic location: 2q31.2.
Variant type: single nucleotide variant.
Coding change: c.47531C>A on transcript NM_001267550.2 (MANE Select); coding-DNA position 47531, C replaced by A.
Protein change: p.Pro15844Gln; replaces proline 15844 with glutamine.
Molecular consequence: missense variant.
Genome position (GRCh38, 1-based): chr2:178,617,820, G>T on the plus strand (C>A on the coding strand, the complement: TTN is on the minus strand). VCF-style: chr2-178617820-G-T. GRCh37 (hg19) VCF-style: chr2-179482547-G-T.
Other names: c.42608C>A, p.Pro14203Gln (NM_001256850.1); c.20336C>A, p.Pro6779Gln (NM_003319.4); c.39827C>A, p.Pro13276Gln (NM_133378.4); c.20711C>A, p.Pro6904Gln (NM_133432.3); c.20912C>A, p.Pro6971Gln (NM_133437.4); short protein forms P13276Q, P6971Q, P15844Q, P14203Q, P6779Q, P6904Q.
Identifiers: ClinVar variation 4997851 (VCV004997851.1).
Genomic context (GRCh38, chr2:178,617,820, plus strand): 5'-CCTTTTTTGATGGGCTTACCAATTGGATCAGCAACTTTGACGAAGGGTGTGGCTGCACTT[G>T]GTTTTCCAACTCCAATTCGATTTTGGGCTCTCACTCGGAAACTGTACTCCTGTCCTTCTA-3'
Protein context (NP_001254479.2, residues 15834-15854): RAQNRIGVGK[Pro15844Gln]SAATPFVKVA

ClinVar aggregate classification (germline): Uncertain significance (1 of 4 stars; one submission).

Conditions:
TTN-related disorder. Also called: TTN-related disorders; TTN-related condition; TTN-related disease.

gnomAD v4.1: 6 of 1,612,342 alleles (0.00037%); highest among the groups gnomAD compares: Non-Finnish European, 0.00042%; no homozygotes.

Submission:

PreventionGenetics, part of Exact Sciences
Classification: Uncertain significance for TTN-related condition. Last evaluated: 2025-07-10. Review status: criteria provided, single submitter. Criteria: ACMG Guidelines, 2015. Collection method: clinical testing. Allele origin: germline.
Comment: The TTN c.47531C>A variant is predicted to result in the amino acid substitution p.Pro15844Gln. To our knowledge, this variant has not been reported in the literature or in a large population database (gnomAD), indicating this variant is rare. At this time, the clinical significance of this variant is uncertain due to the absence of conclusive functional and genetic evidence.